The following is an entry in ClinVar:

NM_005560.6(LAMA5):c.8521C>T (p.His2841Tyr)

Gene: LAMA5 (laminin subunit alpha 5; minus strand). Cytogenetic location: 20q13.33.
Variant type: single nucleotide variant.
Coding change: c.8521C>T on transcript NM_005560.6 (MANE Select); coding-DNA position 8521, C replaced by T.
Protein change: p.His2841Tyr; replaces histidine 2841 with tyrosine.
Molecular consequence: missense variant.
Genome position (GRCh38, 1-based): chr20:62,313,786, G>A on the plus strand (C>T on the coding strand, the complement: LAMA5 is on the minus strand). VCF-style: chr20-62313786-G-A. GRCh37 (hg19) VCF-style: chr20-60888842-G-A.
Other names: p.His2841Tyr; c.8521C>T (NM_005560.3); short protein forms H2841Y.
Identifiers: ClinVar variation 738602 (VCV000738602.13), dbSNP rs149358620, ClinGen allele CA9940662.

ClinVar aggregate classification (germline): Conflicting classifications of pathogenicity. Review status: criteria provided, conflicting classifications (1 of 4 stars). 4 submissions from 4 submitters: Uncertain significance (2); Likely benign (1). 1 of the submissions does not count toward it. Last evaluated 2026-01-15.

Conditions:
LAMA5-related disorder. Also called: LAMA5-related condition; LAMA5-Related Disorders.
Inborn genetic diseases. Identifiers: MedGen C0950123, MeSH D030342.

Allele frequency attached by ClinVar (database versions not stated): gnomAD exomes 0.00014 and 0.00018; ExAC 0.00043; ESP Exome Variant Server 0.00123; gnomAD 0.00137 and 0.00143; TOPMed 0.00153; 1000 Genomes Project 0.00260; 1000 Genomes Project 30x 0.00265.
gnomAD v4.1: 297 of 1,612,570 alleles (0.018%); highest among the groups gnomAD compares: African/African-American, 0.36%; 2 homozygotes.

Submissions (4):

Labcorp Genetics (formerly Invitae), Labcorp
Classification: Likely benign. Last evaluated: 2026-01-15. Review status: criteria provided, single submitter. Criteria: Invitae Variant Classification Sherloc (09022015). Collection method: clinical testing. Allele origin: germline.

Ambry Genetics
Classification: Uncertain significance for Inborn genetic diseases. Last evaluated: 2024-11-13. Review status: criteria provided, single submitter. Criteria: Ambry Variant Classification Scheme 2023. Collection method: clinical testing. Allele origin: germline.

Mayo Clinic Laboratories, Mayo Clinic
Classification: Uncertain significance. Last evaluated: 2024-02-19. Review status: criteria provided, single submitter. Criteria: ACMG Guidelines, 2015. Collection method: clinical testing. Allele origin: germline. Observed: 1 variant allele.
Comment: BS1

PreventionGenetics, part of Exact Sciences
Classification: Likely benign for LAMA5-related condition. Last evaluated: 2021-11-23. Review status: no assertion criteria provided. Collection method: clinical testing. Allele origin: germline. Not counted in ClinVar's aggregate classification.
Comment: This variant is classified as likely benign based on ACMG/AMP sequence variant interpretation guidelines (Richards et al. 2015 PMID: 25741868, with internal and published modifications).